The following is an entry in ClinVar:

NM_001253697.2(ERBIN):c.206A>G (p.Gln69Arg)

Gene: ERBIN (erbb2 interacting protein; plus strand). Cytogenetic location: 5q12.3.
Variant type: single nucleotide variant.
Coding change: c.206A>G on transcript NM_001253697.2 (MANE Select); coding-DNA position 206, A replaced by G.
Protein change: p.Gln69Arg; replaces glutamine 69 with arginine.
Molecular consequence: missense variant.
Genome position (GRCh38, 1-based): chr5:65,994,763, A>G. VCF-style: chr5-65994763-A-G. GRCh37 (hg19) VCF-style: chr5-65290591-A-G.
Other names: c.206A>G, p.Gln69Arg (NM_001006600.3, NM_001253698.2, NM_001253699.2 and 2 more transcripts); short protein forms Q69R.
Identifiers: ClinVar variation 2111238 (VCV002111238.4), dbSNP rs2546615068, ClinGen allele CA359972140.

ClinVar aggregate classification (germline): Uncertain significance (1 of 4 stars; one submission).

Allele frequency attached by ClinVar (database versions not stated): gnomAD exomes below 0.00001.
gnomAD v4.1: 1 of 1,596,616 alleles (0.000063%); highest among the groups gnomAD compares: South Asian, 0.0011%; no homozygotes.

Submission:

Labcorp Genetics (formerly Invitae), Labcorp
Classification: Uncertain significance. Last evaluated: 2022-03-13. Review status: criteria provided, single submitter. Criteria: Invitae Variant Classification Sherloc (09022015). Collection method: clinical testing. Allele origin: germline.
Comment: In summary, the available evidence is currently insufficient to determine the role of this variant in disease. Therefore, it has been classified as a Variant of Uncertain Significance. Algorithms developed to predict the effect of missense changes on protein structure and function are either unavailable or do not agree on the potential impact of this missense change (SIFT: "Deleterious"; PolyPhen-2: "Probably Damaging"; Align-GVGD: "Class C0"). This variant has not been reported in the literature in individuals affected with ERBIN-related conditions. This variant is not present in population databases (gnomAD no frequency). This sequence change replaces glutamine, which is neutral and polar, with arginine, which is basic and polar, at codon 69 of the ERBIN protein (p.Gln69Arg).